The following is an entry in ClinVar:

ClinVar aggregate classification (germline): Uncertain significance (1 of 4 stars; one submission).

Allele frequency attached by ClinVar (database versions not stated): gnomAD 0.00016; gnomAD exomes 0.00030; ESP Exome Variant Server 0.00046; ExAC 0.00010; TOPMed 0.00016.
gnomAD v4.1: 482 of 1,614,066 alleles (0.03%); highest among the groups gnomAD compares: Non-Finnish European, 0.037%; 2 homozygotes.

Submission:

Labcorp Genetics (formerly Invitae), Labcorp
Classification: Uncertain significance. Last evaluated: 2025-12-27. Review status: criteria provided, single submitter. Criteria: Invitae Variant Classification Sherloc (09022015). Collection method: clinical testing. Allele origin: germline.
Comment: This sequence change replaces isoleucine, which is neutral and non-polar, with valine, which is neutral and non-polar, at codon 66 of the LIPC protein (p.Ile66Val). This variant is present in population databases (rs140029729, gnomAD 0.02%). This missense change has been observed in individual(s) with dyslipidemia (PMID: 36325899). ClinVar contains an entry for this variant (Variation ID: 2697597). Invitae Evidence Modeling of protein sequence and biophysical properties (such as structural, functional, and spatial information, amino acid conservation, physicochemical variation, residue mobility, and thermodynamic stability) indicates that this missense variant is not expected to disrupt LIPC protein function with a negative predictive value of 80%. In summary, the available evidence is currently insufficient to determine the role of this variant in disease. Therefore, it has been classified as a Variant of Uncertain Significance.

Literature cited by the submitters: PubMed 36325899.

NM_000236.3(LIPC):c.196A>G (p.Ile66Val)

Gene: LIPC (lipase C, hepatic type; plus strand). Cytogenetic location: 15q21.3.
Variant type: single nucleotide variant.
Coding change: c.196A>G on transcript NM_000236.3 (MANE Select); coding-DNA position 196, A replaced by G.
Protein change: p.Ile66Val; replaces isoleucine 66 with valine.
Molecular consequence: missense variant.
Genome position (GRCh38, 1-based): chr15:58,538,440, A>G. VCF-style: chr15-58538440-A-G. GRCh37 (hg19) VCF-style: chr15-58830639-A-G.
Other names: short protein forms I66V.
Identifiers: ClinVar variation 2697597 (VCV002697597.3), dbSNP rs140029729, ClinGen allele CA7584749.
Genomic context (GRCh38, chr15:58,538,440, plus strand): 5'-CATGAGATGAAGACCAGATTCCTGCTCTTTGGAGAAACCAATCAGGGCTGTCAGATTCGA[A>G]TCAATCATCCGGACACGTTACAGGAGTGCGGCTTCAACTCCTCCCTGCCTCTGGTGATGA-3'
Protein context (NP_000227.2, residues 56-76): GETNQGCQIR[Ile66Val]NHPDTLQECG